The following is an entry in ClinVar:

NM_003072.5(SMARCA4):c.3873+6del

Gene: SMARCA4 (SWI/SNF related BAF chromatin remodeling complex subunit ATPase 4; plus strand). Cytogenetic location: 19p13.2.
Variant type: Deletion.
Coding change: c.3873+6del on transcript NM_003072.5 (MANE Select); 6 bases into the intron after coding-DNA position 3873, one base deleted (A; older notation c.3873+6delA).
Molecular consequence: intron variant.
Genome position (GRCh38, 1-based): chr19:11,033,871, A deleted. VCF-style (leftmost placement, unchanged base first): chr19-11033870-GA-G. GRCh37 (hg19) VCF-style: chr19-11144546-GA-G.
Other names: c.3873+6del (NM_001128849.1, NM_001128844.3, NM_001128849.3 and 1 more transcripts); c.3775-252del (NM_001128847.4, NM_001374457.1, NM_001128845.2 and 2 more transcripts).
Identifiers: ClinVar variation 238438 (VCV000238438.15), dbSNP rs751936459, ClinGen allele CA9204533.

ClinVar aggregate classification (germline): Conflicting classifications of pathogenicity. Review status: criteria provided, conflicting classifications (1 of 4 stars). 6 submissions from 6 submitters: Uncertain significance (1); Likely benign (5). Last evaluated 2026-07-08.

Conditions:
SMARCA4-related disorder. Also called: SMARCA4-related condition.
Intellectual disability, autosomal dominant 16 (CSS4). Also called: COFFIN-SIRIS SYNDROME 4. Identifiers: Orphanet 1465, MedGen C3553249, MONDO:0013821, OMIM 614609.
Rhabdoid tumor predisposition syndrome 2 (RTPS2). Identifiers: Orphanet 231108, Orphanet 69077, MedGen C2750074, MONDO:0013224, OMIM 613325.

Allele frequency attached by ClinVar (database versions not stated): gnomAD 0.00002; gnomAD exomes 0.00002 and 0.00001; ExAC 0.00002; TOPMed 0.00002.

Submissions (6):

Myriad Genetics, Inc.
Classification: Likely benign for Rhabdoid tumor predisposition syndrome 2. Last evaluated: 2026-07-08. Review status: criteria provided, single submitter. Criteria: Myriad Autosomal Dominant, Autosomal Recessive and X-Linked Classification Criteria (2023). Collection method: clinical testing. Allele origin: unknown.
Comment: This variant is considered likely benign. This variant is intronic and is not expected to impact mRNA splicing. This variant has been observed at a population frequency that is significantly greater than expected given the associated disease prevalence and penetrance.

PreventionGenetics, part of Exact Sciences
Classification: Likely benign for SMARCA4-related condition. Last evaluated: 2026-01-22. Review status: criteria provided, single submitter. Criteria: ACMG Guidelines, 2015. Collection method: clinical testing. Allele origin: germline.
Comment: This variant is classified as likely benign based on ACMG/AMP sequence variant interpretation guidelines (Richards et al. 2015 PMID: 25741868, with internal and published modifications).

Labcorp Genetics (formerly Invitae), Labcorp
Classification: Likely benign for Rhabdoid tumor predisposition syndrome 2. Last evaluated: 2025-12-19. Review status: criteria provided, single submitter. Criteria: Invitae Variant Classification Sherloc (09022015). Collection method: clinical testing. Allele origin: germline.

Quest Diagnostics Nichols Institute San Juan Capistrano
Classification: Uncertain significance. Last evaluated: 2024-02-26. Review status: criteria provided, single submitter. Criteria: Quest Diagnostics criteria. Collection method: clinical testing. Allele origin: unknown.
Comment: The SMARCA4 c.3873+6del variant has not been reported in individuals with SMARCA4-related conditions in the published literature. The frequency of this variant in the general population, 0.000056 (6/107384 chromosomes (Genome Aggregation Database)), is uninformative in the assessment of its pathogenicity. Analysis of this variant using software algorithms for the prediction of the effect of nucleotide changes on splicing yielded predictions that this variant does not affect SMARCA4 mRNA splicing. Based on the available information, we are unable to determine the clinical significance of this variant.

Genome-Nilou Lab
Classification: Likely benign for Intellectual disability, autosomal dominant 16. Last evaluated: 2021-07-15. Review status: criteria provided, single submitter. Criteria: ACMG Guidelines, 2015. Collection method: clinical testing. Allele origin: germline. Affected: no.

GeneDx
Classification: Likely benign. Last evaluated: 2016-10-05. Review status: criteria provided, single submitter. Criteria: GeneDx Variant Classification (06012015). Collection method: clinical testing. Allele origin: germline. Affected: yes.
Comment: This variant is considered likely benign or benign based on one or more of the following criteria: it is a conservative change, it occurs at a poorly conserved position in the protein, it is predicted to be benign by multiple in silico algorithms, and/or has population frequency not consistent with disease.